The following is an entry in ClinVar:

ClinVar aggregate classification (germline): Uncertain significance (1 of 4 stars; one submission).

Conditions:
Spondyloepimetaphyseal dysplasia, PAPSS2 type. Also called: SEMD, PAKISTANI TYPE; BRACHYOLMIA TYPE 4 WITH MILD EPIPHYSEAL AND METAPHYSEAL CHANGES; SPONDYLODYSPLASIA AND PREMATURE PUBARCHE. Identifiers: Orphanet 93282, MedGen C2748516, MONDO:0019666, OMIM 612847.

Allele frequency attached by ClinVar (database versions not stated): ExAC 0.00002; gnomAD 0.00003.
gnomAD v4.1: 22 of 1,613,752 alleles (0.0014%); highest among the groups gnomAD compares: Admixed American, 0.0033%; no homozygotes.

Submission:

Labcorp Genetics (formerly Invitae), Labcorp
Classification: Uncertain significance for Spondyloepimetaphyseal dysplasia, PAPSS2 type. Last evaluated: 2025-07-02. Review status: criteria provided, single submitter. Criteria: Invitae Variant Classification Sherloc (09022015). Collection method: clinical testing. Allele origin: germline.
Comment: This sequence change replaces arginine, which is basic and polar, with histidine, which is basic and polar, at codon 416 of the PAPSS2 protein (p.Arg416His). This variant is present in population databases (rs774132241, gnomAD 0.007%). This variant has not been reported in the literature in individuals affected with PAPSS2-related conditions. ClinVar contains an entry for this variant (Variation ID: 2917936). An algorithm developed to predict the effect of missense changes on protein structure and function (PolyPhen-2) suggests that this variant is likely to be disruptive. In summary, the available evidence is currently insufficient to determine the role of this variant in disease. Therefore, it has been classified as a Variant of Uncertain Significance.

NM_001015880.2(PAPSS2):c.1247G>A (p.Arg416His)

Gene: PAPSS2 (3'-phosphoadenosine 5'-phosphosulfate synthase 2; plus strand). Cytogenetic location: 10q23.31.
Variant type: single nucleotide variant.
Coding change: c.1247G>A on transcript NM_001015880.2 (MANE Select); coding-DNA position 1247, G replaced by A.
Protein change: p.Arg416His; replaces arginine 416 with histidine.
Molecular consequence: missense variant.
Genome position (GRCh38, 1-based): chr10:87,743,397, G>A. VCF-style: chr10-87743397-G-A. GRCh37 (hg19) VCF-style: chr10-89503154-G-A.
Other names: c.1232G>A, p.Arg411His (NM_004670.4); short protein forms R411H, R416H.
Identifiers: ClinVar variation 2917936 (VCV002917936.3), dbSNP rs774132241, ClinGen allele CA5589710.